The following is an entry in ClinVar:

ClinVar aggregate classification (germline): Pathogenic. Review status: criteria provided, multiple submitters, no conflicts (2 of 4 stars). 2 submissions from 2 submitters: Pathogenic (2). Last evaluated 2019-09-30.

Conditions:
Hereditary cancer-predisposing syndrome. Also called: Neoplastic Syndromes, Hereditary; Hereditary Cancer Syndrome; Tumor predisposition; Hereditary neoplastic syndrome. Identifiers: Orphanet 140162, MedGen C0027672, MeSH D009386, MONDO:0015356.

Submissions (2):

Color Diagnostics, LLC DBA Color Health
Classification: Pathogenic for Hereditary cancer-predisposing syndrome. Last evaluated: 2019-09-30. Review status: criteria provided, single submitter. Criteria: ACMG Guidelines, 2015. Collection method: clinical testing. Allele origin: germline.
Comment: This variant deletes 8 nucleotides in exon 6 of the BRCA1 gene, creating a frameshift and premature translation stop signal. This variant is expected to result in an absent or non-functional protein product. Splice site prediction tools suggest that this variant may not impact RNA splicing. To our knowledge, functional studies have not been performed for this variant. This variant has not been reported in individuals affected with hereditary cancer in the literature. This variant has not been identified in the general population by the Genome Aggregation Database (gnomAD). Loss of BRCA1 function is a known mechanism of disease. Based on the available evidence, this variant is classified as Pathogenic.

GeneDx
Classification: Pathogenic. Last evaluated: 2017-11-03. Review status: criteria provided, single submitter. Criteria: GeneDx Variant Classification (06012015). Collection method: clinical testing. Allele origin: germline. Affected: yes.
Comment: This deletion of eight nucleotides in BRCA1 is denoted c.424_431delCCCGAAAA at the cDNA level and p.Pro142SerfsX14 (P142SfsX14) at the protein level. Using alternate nomenclature, this variant would be defined as BRCA1 543_550delCCCGAAAA. The normal sequence, with the bases that are deleted in brackets, is TGAA[delCCCGAAAA]TCCT. The deletion causes a frameshift which changes a Proline to a Serine at codon 142, and creates a premature stop codon at position 14 of the new reading frame. Although this variant has not, to our knowledge, been reported in the literature, it is predicted to cause loss of normal protein function through either protein truncation or nonsense-mediated mRNA decay. We consider this variant to be pathogenic.

NM_007294.4(BRCA1):c.424_431del (p.Pro142fs)

Gene: BRCA1 (BRCA1 DNA repair associated; minus strand). Cytogenetic location: 17q21.31.
Variant type: Deletion.
Coding change: c.424_431del on transcript NM_007294.4 (MANE Select); coding-DNA positions 424 to 431, 8 bases deleted (CCCGAAAA; older notation c.424_431delCCCGAAAA).
Protein change: p.Pro142fs; shifts the reading frame from proline 142.
Molecular consequence: frameshift variant. On other transcripts: non-coding transcript variant (1).
Genome position (GRCh38, 1-based): chr17:43,104,132-43,104,139, TTTTCGGG deleted on the plus strand (CCCGAAAA on the coding strand, the reverse complement: BRCA1 is on the minus strand); deleting any 8 consecutive bases within chr17:43,104,132-43,104,141 gives the same sequence; the c. name uses the placement nearest the transcript's 3' end. VCF-style (leftmost placement, unchanged base first): chr17-43104131-ATTTTCGGG-A. GRCh37 (hg19) VCF-style: chr17-41256148-ATTTTCGGG-A.
Other names: c.422_429delAACCCGAA, p.Pro142Serfs (NM_001408437.1, NM_001407689.1, NM_001407690.1 and 164 more transcripts); c.281_288delAACCCGAA, p.Pro95Serfs (NM_001407696.1, NM_001407697.1, NM_001407692.1 and 98 more transcripts); c.424_431delCCCGAAAA (NM_007294.3); c.212_219delAACCCGAA, p.Pro72Serfs (NM_001407946.1, NM_001407947.1, NM_001407948.1 and 58 more transcripts); c.41_48delAACCCGAA, p.Pro15Serfs (NM_001407959.1, NM_001407960.1, NM_001407962.1 and 4 more transcripts); c.413_420delAACCCGAA, p.Pro139Serfs (NM_001408408.1, NM_001407646.1, NM_001407647.1); c.344_351delAACCCGAA, p.Pro116Serfs (NM_001408409.1, NM_001408411.1, NM_001408412.1 and 21 more transcripts); c.290_297delAACCCGAA, p.Pro98Serfs (NM_001408451.1); and 2 more; short protein forms P142fs, P95fs.
Identifiers: ClinVar variation 545837 (VCV000545837.6), dbSNP rs1555596294, ClinGen allele CA658824561.
Genomic context (GRCh38, chr17:43,104,131, plus strand): 5'-AAAAAAAAAAGAAAAGAAGAAGAAGAAGAAGAAGAAAACAAATGGTTTTACCAAGGAAGG[ATTTTCGGG>A]TTCACTCTGTAGAAGTCTTTTGGCACGGTTTCTGTAGCCCATACTTTGGATGATAGAAAC-3'